The following is an entry in ClinVar:

NM_007294.4(BRCA1):c.5417del (p.Pro1806fs)

Gene: BRCA1 (BRCA1 DNA repair associated; minus strand). Cytogenetic location: 17q21.31.
Variant type: Deletion.
Coding change: c.5417del on transcript NM_007294.4 (MANE Select); coding-DNA position 5417, one base deleted (C; older notation c.5417delC).
Protein change: p.Pro1806fs; shifts the reading frame from proline 1806.
Molecular consequence: frameshift variant. On other transcripts: non-coding transcript variant (1).
Genome position (GRCh38, 1-based): chr17:43,047,693, G deleted on the plus strand (C on the coding strand, the reverse complement: BRCA1 is on the minus strand); the first of 3 consecutive G bases (chr17:43,047,693-43,047,695); deleting any one gives the same sequence. VCF-style (leftmost placement, unchanged base first): chr17-43047692-TG-T. GRCh37 (hg19) VCF-style: chr17-41199709-TG-T.
Other names: 5536delC; c.5417delC (NM_007294.3); c.2025delC, p.Pro676Glnfs (NM_001408414.1, NM_001408415.1, NM_001408416.1 and 2 more transcripts); c.1989delC, p.Pro664Glnfs (NM_001408418.1, NM_001408419.1, NM_001408420.1); c.1986delC, p.Pro663Glnfs (NM_001408421.1, NM_001408422.1, NM_001408423.1 and 1 more transcripts); c.1983delC, p.Pro662Glnfs (NM_001408425.1, NM_001408426.1, NM_001408427.1 and 4 more transcripts); c.1980delC, p.Pro661Glnfs (NM_001408432.1, NM_001408433.1, NM_001408434.1 and 10 more transcripts); c.1977delC, p.Pro660Glnfs (NM_001408445.1, NM_001408446.1, NM_001408447.1 and 2 more transcripts); and 88 more; short protein forms P1759fs, N678fs, P1806fs, P702fs, P1827fs.
Identifiers: ClinVar variation 37669 (VCV000037669.21), dbSNP rs80357558, ClinGen allele CA003581.

ClinVar aggregate classification (germline): Pathogenic. Review status: reviewed by expert panel (3 of 4 stars). 8 submissions from 8 submitters: Pathogenic (1). 7 of the submissions do not count toward it. Last evaluated 2016-09-08.

Conditions:
Hereditary cancer-predisposing syndrome. Also called: Tumor predisposition; Neoplastic Syndromes, Hereditary; Hereditary Cancer Syndrome; Hereditary neoplastic syndrome. Identifiers: Orphanet 140162, MedGen C0027672, MeSH D009386, MONDO:0015356.
Hereditary breast ovarian cancer syndrome. Also called: Hereditary breast and ovarian cancer syndrome (HBOC); Hereditary breast and ovarian cancer syndrome; Hereditary breast and ovarian cancer; Hereditary breast and/or ovarian cancer syndrome; Breast and ovarian cancer; BRCA1- and BRCA2-Associated Hereditary Breast and Ovarian Cancer. Identifiers: Orphanet 145, MedGen C0677776, MeSH D061325, MONDO:0003582. Disease mechanism: loss of function.
Breast-ovarian cancer, familial, susceptibility to, 1 (BROVCA1). Also called: OVARIAN CANCER, SUSCEPTIBILITY TO; BRCA1 Hereditary Breast and Ovarian Cancer. Identifiers: Orphanet 145, MedGen C2676676, MONDO:0011450, OMIM 604370. Disease mechanism: loss of function.
Familial cancer of breast. Also called: Hereditary breast cancer; hereditary breast carcinoma; BREAST CANCER, FAMILIAL. Identifiers: Orphanet 227535, MedGen C0346153, MONDO:0016419, OMIM 114480. Disease mechanism: loss of function.

Submissions (8):

Evidence-based Network for the Interpretation of Germline Mutant Alleles (ENIGMA)
Classification: Pathogenic for Breast-ovarian cancer, familial, susceptibility to, 1. Last evaluated: 2016-09-08. Review status: reviewed by expert panel. Criteria: ENIGMA BRCA1/2 Classification Criteria (2015). Collection method: curation. Allele origin: germline.
Comment: Variant allele predicted to encode a truncated non-functional protein.

Institute of Medical Genetics and Applied Genomics, University Hospital Tübingen
Classification: Pathogenic for Familial cancer of breast. Last evaluated: 2023-05-02. Review status: criteria provided, single submitter. Criteria: ACMG Guidelines, 2015. Collection method: clinical testing. Allele origin: germline. Inheritance: Autosomal dominant inheritance. Affected: yes. Not counted in ClinVar's aggregate classification.

Ambry Genetics
Classification: Pathogenic for Hereditary cancer-predisposing syndrome. Last evaluated: 2022-06-08. Review status: criteria provided, single submitter. Criteria: Ambry Variant Classification Scheme 2023. Collection method: clinical testing. Allele origin: germline. Not counted in ClinVar's aggregate classification.
Comment: The c.5417delC pathogenic mutation, located in coding exon 21 of the BRCA1 gene, results from a deletion of one nucleotide at nucleotide position 5417, causing a translational frameshift with a predicted alternate stop codon (p.P1806Qfs*28). This alteration occurs at the 3' terminus of theBRCA1 gene, is not expected to trigger nonsense-mediated mRNA decay, and only impacts the last 28 amino acids of the protein. However, premature stop codons are typically deleterious in nature and the impacted region is critical for protein function (Ambry internal data). This alteration has been identified in an individual diagnosed with breast cancer (Foley SB et al. EBioMedicine 2015 Jan;2(1):74-81). This alteration is also known as 5536delC in published literature. Based on the supporting evidence, this alteration is interpreted as a disease-causing mutation.

Color Diagnostics, LLC DBA Color Health
Classification: Pathogenic for Hereditary cancer-predisposing syndrome. Last evaluated: 2020-06-23. Review status: criteria provided, single submitter. Criteria: ACMG Guidelines, 2015. Collection method: clinical testing. Allele origin: germline. Not counted in ClinVar's aggregate classification.
Comment: This variant deletes 1 nucleotide in exon 22 of the BRCA1 gene, creating a frameshift and premature translation stop signal. This variant is expected to result in an absent or non-functional protein product. To our knowledge, this variant has not been reported in individuals affected with hereditary cancer in the literature. This variant has not been identified in the general population by the Genome Aggregation Database (gnomAD). Loss of BRCA1 function is a known mechanism of disease. Based on the available evidence, this variant is classified as Pathogenic.

Labcorp Genetics (formerly Invitae), Labcorp
Classification: Pathogenic for Hereditary breast ovarian cancer syndrome. Last evaluated: 2020-05-03. Review status: criteria provided, single submitter. Criteria: Invitae Variant Classification Sherloc (09022015). Collection method: clinical testing. Allele origin: germline. Not counted in ClinVar's aggregate classification.
Comment: This sequence change results in a premature translational stop signal in the BRCA1 gene (p.Pro1806Glnfs*28). While this is not anticipated to result in nonsense mediated decay, it is expected to disrupt the last 58 amino acids of the BRCA1 protein. This variant is not present in population databases (ExAC no frequency). This variant has been observed in an individual affected with breast cancer (PMID: 26023681). This variant is also known as 5536delC (p.P1759fs) in the literature. ClinVar contains an entry for this variant (Variation ID: 37669). This variant is expected to disrupt a portion of the C-terminal region of the BRCA1 protein containing the BRCT domain (residues Val1646-Pro1859) (PMID: 25652403). Although functional studies have not been performed for this particular variant, the BRCT domain is critical for BRCA1 DNA repair activity (PMID: 11573086, 14576433, 15133503, 25652403). This suggests that variants that disrupt this region of the protein are likely to be causative of disease. A different truncation (p.Gln1857Argfs*65) that lies downstream of this variant has been determined to be pathogenic (PMID: 21520333, 11573086, 14576433, 15133503, 25652403). This suggests that deletion of this region of the BRCA1 protein is likely to be causative of disease. For these reasons, this variant has been classified as Pathogenic.

Consortium of Investigators of Modifiers of BRCA1/2 (CIMBA), c/o University of Cambridge
Classification: Pathogenic for Breast-ovarian cancer, familial, susceptibility to, 1. Last evaluated: 2015-10-02. Review status: criteria provided, single submitter. Criteria: CIMBA Mutation Classification guidelines May 2016. Collection method: clinical testing. Allele origin: germline. Not counted in ClinVar's aggregate classification.

Sharing Clinical Reports Project (SCRP)
Classification: Pathogenic for Breast-ovarian cancer, familial 1. Last evaluated: 2009-04-15. Review status: no assertion criteria provided. Collection method: clinical testing. Allele origin: germline. Not counted in ClinVar's aggregate classification.

Breast Cancer Information Core (BIC) (BRCA1)
Classification: Pathogenic for Breast-ovarian cancer, familial 1. Last evaluated: 2004-02-20. Review status: no assertion criteria provided. Collection method: clinical testing. Allele origin: germline. Affected: yes. Observed: 2 variant alleles. Not counted in ClinVar's aggregate classification.

Literature cited by the submitters: PubMed 26023681 (cited by Ambry Genetics and Labcorp Genetics (formerly Invitae), Labcorp); PubMed 25652403 (cited by Labcorp Genetics (formerly Invitae), Labcorp); PubMed 11573086 (cited by Labcorp Genetics (formerly Invitae), Labcorp); PubMed 14576433 (cited by Labcorp Genetics (formerly Invitae), Labcorp); PubMed 15133503 (cited by Labcorp Genetics (formerly Invitae), Labcorp); PubMed 21520333 (cited by Labcorp Genetics (formerly Invitae), Labcorp).